The following is an entry in ClinVar:

ClinVar aggregate classification (germline): Uncertain significance (1 of 4 stars; one submission).

Conditions:
Myofibrillar myopathy 4. Also called: Zaspopathy (type). Identifiers: Orphanet 98912, MedGen C4721886, MONDO:0012277, OMIM 609452.

Submission:

Labcorp Genetics (formerly Invitae), Labcorp
Classification: Uncertain significance for Myofibrillar myopathy 4. Last evaluated: 2023-08-20. Review status: criteria provided, single submitter. Criteria: Invitae Variant Classification Sherloc (09022015). Collection method: clinical testing. Allele origin: germline.
Comment: In summary, the available evidence is currently insufficient to determine the role of this variant in disease. Therefore, it has been classified as a Variant of Uncertain Significance. Experimental studies and prediction algorithms are not available or were not evaluated, and the functional significance of this variant is currently unknown. This variant has not been reported in the literature in individuals affected with LDB3-related conditions. This variant is not present in population databases (gnomAD no frequency). This sequence change replaces isoleucine, which is neutral and non-polar, with asparagine, which is neutral and polar, at codon 662 of the LDB3 protein (p.Ile662Asn). The LDB3 gene has multiple clinically relevant transcripts. This variant occurs in alternate transcript NM_007078.3, and corresponds to NM_001080116.1:c.*26769T>A in the primary transcript.

NM_007078.3(LDB3):c.1985T>A (p.Ile662Asn)

Gene: LDB3 (LIM domain binding 3; plus strand). Cytogenetic location: 10q23.2.
Variant type: single nucleotide variant.
Coding change: c.1985T>A on transcript NM_007078.3 (MANE Select); coding-DNA position 1985, T replaced by A.
Protein change: p.Ile662Asn; replaces isoleucine 662 with asparagine.
Molecular consequence: missense variant.
Genome position (GRCh38, 1-based): chr10:86,726,143, T>A. VCF-style: chr10-86726143-T-A. GRCh37 (hg19) VCF-style: chr10-88485900-T-A.
Other names: c.1655T>A, p.Ile552Asn (NM_001080114.2); c.2000T>A, p.Ile667Asn (NM_001171610.2); c.1796T>A, p.Ile599Asn (NM_001368064.1, NM_001368065.1); c.1844T>A, p.Ile615Asn (NM_001368066.1); short protein forms I615N, I662N, I667N, I552N, I599N.
Identifiers: ClinVar variation 1469618 (VCV001469618.6), dbSNP rs2132503371, ClinGen allele CA377456869.